The following is an entry in ClinVar:

ClinVar aggregate classification (germline): Uncertain significance. Review status: criteria provided, multiple submitters, no conflicts (2 of 4 stars). 2 submissions from 2 submitters: Uncertain significance (2). Last evaluated 2025-02-26.

Conditions:
Progressive familial heart block type IB (PFHB1B). Identifiers: Orphanet 871, MedGen C1970298, MONDO:0011474, OMIM 604559.
Cardiovascular phenotype. Identifiers: MedGen CN230736.

Submissions (2):

Labcorp Genetics (formerly Invitae), Labcorp
Classification: Uncertain significance for Progressive familial heart block type IB. Last evaluated: 2025-02-26. Review status: criteria provided, single submitter. Criteria: Invitae Variant Classification Sherloc (09022015). Collection method: clinical testing. Allele origin: germline.
Comment: This sequence change creates a premature translational stop signal (p.Cys826*) in the TRPM4 gene. It is expected to result in an absent or disrupted protein product. However, the current clinical and genetic evidence is not sufficient to establish whether loss-of-function variants in TRPM4 cause disease. The frequency data for this variant in the population databases is considered unreliable, as metrics indicate poor data quality at this position in the gnomAD database. This variant has not been reported in the literature in individuals affected with TRPM4-related conditions. ClinVar contains an entry for this variant (Variation ID: 3329230). In summary, the available evidence is currently insufficient to determine the role of this variant in disease. Therefore, it has been classified as a Variant of Uncertain Significance.

Ambry Genetics
Classification: Uncertain significance for Cardiovascular phenotype. Last evaluated: 2024-03-22. Review status: criteria provided, single submitter. Criteria: Ambry Variant Classification Scheme 2023. Collection method: clinical testing. Allele origin: germline.
Comment: The p.C826* variant (also known as c.2478C>A), located in coding exon 17 of the TRPM4 gene, results from a C to A substitution at nucleotide position 2478. This changes the amino acid from a cysteine to a stop codon within coding exon 17. This alteration is expected to result in protein truncation or nonsense-mediated mRNA decay. However, loss of function of TRPM4 has not been established as a mechanism of disease. Based on the available evidence, the clinical significance of this alteration remains unclear.

NM_017636.4(TRPM4):c.2478C>A (p.Cys826Ter)

Gene: TRPM4 (transient receptor potential cation channel subfamily M member 4; plus strand). Cytogenetic location: 19q13.33.
Variant type: single nucleotide variant.
Coding change: c.2478C>A on transcript NM_017636.4 (MANE Select); coding-DNA position 2478, C replaced by A.
Protein change: p.Cys826Ter; replaces cysteine 826 with a stop codon.
Molecular consequence: nonsense. On other transcripts: intron variant (1).
Genome position (GRCh38, 1-based): chr19:49,196,707, C>A. VCF-style: chr19-49196707-C-A. GRCh37 (hg19) VCF-style: chr19-49699964-C-A.
Other names: c.2133C>A, p.Cys711Ter (NM_001321281.2); c.870C>A, p.Cys290Ter (NM_001321282.2); c.1956C>A, p.Cys652Ter (NM_001321283.2); c.1416C>A, p.Cys472Ter (NM_001321285.2); c.2211-3593C>A (NM_001195227.2); short protein forms C472*, C711*, C652*, C290*, C826*.
Identifiers: ClinVar variation 3329230 (VCV003329230.3).